The following is an entry in ClinVar:

ClinVar aggregate classification (germline): Likely benign. Review status: criteria provided, multiple submitters, no conflicts (2 of 4 stars). 4 submissions from 4 submitters: Likely benign (4). Last evaluated 2026-07-01.

Allele frequency attached by ClinVar (database versions not stated): 1000 Genomes Project 30x 0.00016; 1000 Genomes Project 0.00020; gnomAD 0.00051 and 0.00056; TOPMed 0.00067; gnomAD exomes 0.00073 and 0.00080; ExAC 0.00083; ESP Exome Variant Server 0.00086.
gnomAD v4.1: 1,159 of 1,611,252 alleles (0.072%); highest among the groups gnomAD compares: Middle Eastern, 1.4%; 5 homozygotes.

Submissions (6):

CeGaT Center for Human Genetics Tuebingen
Classification: Likely benign. Last evaluated: 2026-07-01. Review status: criteria provided, single submitter. Criteria: CeGaT Center For Human Genetics Tuebingen Variant Classification Criteria Version 2. Collection method: clinical testing. Allele origin: germline. Affected: yes. Observed: 1 variant allele.
Comment: HTT: BP4

Blueprint Genetics
Classification: Likely benign. Last evaluated: 2024-11-22. Review status: criteria provided, single submitter. Criteria: ACMG Guidelines, 2015. Collection method: clinical testing. Allele origin: germline.

Labcorp Genetics (formerly Invitae), Labcorp
Classification: Likely benign. Last evaluated: 2023-08-10. Review status: criteria provided, single submitter. Criteria: Invitae Variant Classification Sherloc (09022015). Collection method: clinical testing. Allele origin: germline.

Breakthrough Genomics
Classification: Likely benign. Review status: criteria provided, single submitter. Criteria: ACMG Guidelines, 2015. Collection method: not provided. Allele origin: germline. Inheritance: Autosomal recessive inheritance. Affected: yes.

Dr. Peter K. Rogan Lab, Western University
No classification provided (evidence only). Condition: Sarcoma. Review status: no classification provided. Collection method: in vitro. Allele origin: not applicable. Functional consequence: retained intron. Not counted in ClinVar's aggregate classification.

Dr. Peter K. Rogan Lab, Western University
No classification provided (evidence only). Condition: Familial pancreatic carcinoma. Review status: no classification provided. Collection method: in vitro. Allele origin: not applicable. Functional consequence: retained intron. Not counted in ClinVar's aggregate classification.

NM_001388492.1(HTT):c.529-3C>T

Gene: HTT (huntingtin; plus strand). Cytogenetic location: 4p16.3.
Variant type: single nucleotide variant.
Coding change: c.529-3C>T on transcript NM_001388492.1 (MANE Select); 3 bases into the intron before coding-DNA position 529, C replaced by T.
Molecular consequence: intron variant.
Genome position (GRCh38, 1-based): chr4:3,105,354, C>T. VCF-style: chr4-3105354-C-T. GRCh37 (hg19) VCF-style: chr4-3107081-C-T.
Other names: c.529-3C>T (NM_002111.8).
Identifiers: ClinVar variation 1539285 (VCV001539285.12), dbSNP rs202150164, ClinGen allele CA2823259.